The following is an entry in ClinVar:

ClinVar aggregate classification (germline): Pathogenic (1 of 4 stars; one submission).

Conditions:
Kabuki syndrome. Also called: NIIKAWA-KUROKI SYNDROME; Kabuki make-up syndrome. Identifiers: Orphanet 2322, MedGen C0796004, MONDO:0016512.

Submission:

Labcorp Genetics (formerly Invitae), Labcorp
Classification: Pathogenic for Kabuki syndrome. Last evaluated: 2019-10-18. Review status: criteria provided, single submitter. Criteria: Invitae Variant Classification Sherloc (09022015). Collection method: clinical testing. Allele origin: germline.
Comment: This variant has not been reported in the literature in individuals with KMT2D-related conditions. For these reasons, this variant has been classified as Pathogenic. Loss-of-function variants in KMT2D are known to be pathogenic (PMID: 22126750). This variant is not present in population databases (ExAC no frequency). This sequence change creates a premature translational stop signal (p.Glu4409*) in the KMT2D gene. It is expected to result in an absent or disrupted protein product.

Literature cited by the submitters: PubMed 22126750.

NM_003482.4(KMT2D):c.13225G>T (p.Glu4409Ter)

Gene: KMT2D (lysine methyltransferase 2D; minus strand). Cytogenetic location: 12q13.12.
Variant type: single nucleotide variant.
Coding change: c.13225G>T on transcript NM_003482.4 (MANE Select); coding-DNA position 13225, G replaced by T.
Protein change: p.Glu4409Ter; replaces glutamic acid 4409 with a stop codon.
Molecular consequence: nonsense.
Genome position (GRCh38, 1-based): chr12:49,031,480, C>A on the plus strand (G>T on the coding strand, the complement: KMT2D is on the minus strand). VCF-style: chr12-49031480-C-A. GRCh37 (hg19) VCF-style: chr12-49425263-C-A.
Other names: short protein forms E4409*.
Identifiers: ClinVar variation 968082 (VCV000968082.7), dbSNP rs1942907207, ClinGen allele CA384706826.